The following is an entry in ClinVar:

NM_000104.4(CYP1B1):c.243C>A (p.Tyr81Ter)

Gene: CYP1B1 (cytochrome P450 family 1 subfamily B member 1; minus strand). Cytogenetic location: 2p22.2.
Variant type: single nucleotide variant.
Coding change: c.243C>A on transcript NM_000104.4 (MANE Select); coding-DNA position 243, C replaced by A.
Protein change: p.Tyr81Ter; replaces tyrosine 81 with a stop codon.
Molecular consequence: nonsense.
Genome position (GRCh38, 1-based): chr2:38,075,146, G>T on the plus strand (C>A on the coding strand, the complement: CYP1B1 is on the minus strand). VCF-style: chr2-38075146-G-T. GRCh37 (hg19) VCF-style: chr2-38302289-G-T.
Other names: NM_000104.4:c.243C>A; short protein forms Y81*.
Identifiers: ClinVar variation 5037946 (VCV005037946.1).

ClinVar aggregate classification (germline): Likely pathogenic (3 of 4 stars; one submission).

Conditions:
CYP1B1-related glaucoma with or without anterior segment dysgenesis. Identifiers: MedGen CN375931, MONDO:0800472.

Submission:

ClinGen Glaucoma Variant Curation Expert Panel
Classification: Likely pathogenic for CYP1B1-related glaucoma with or without anterior segment dysgenesis. Last evaluated: 2026-10-27. Review status: reviewed by expert panel. Criteria: ClinGen Glaucoma ACMG Specifications CYP1B1 V2.0. Collection method: curation. Allele origin: germline. Inheritance: Autosomal recessive inheritance.
Comment: The c.243C>A variant in CYP1B1 is predicted to cause a change in the length of the protein due to the insertion of a terminating codon instead of the usual Tyrosine at amino acid 81 (p.Tyr81Ter). This variant was not found in any genetic ancestry group of gnomAD (v4.1), meeting the ≤ 0.0005 threshold set for PM2_Supporting in a genetic ancestry group of at least 2,000 alleles. This nonsense variant was predicted to undergo NMD, meeting PVS1. There was no functional evidence predicting a damaging or benign impact of this variant on CYP1B1 function. This variant has been identified in an individual with a CYP1B1-related phenotype. In summary, this variant met the criteria to receive a score of 9 and to be classified as likely pathogenic (likely pathogenic classification range 6 to 9, adapted from PMID: 32720330) for CYP1B1-related glaucoma with or without anterior segment dysgenesis (ASD) based on the ACMG/AMP criteria met, as specified by the ClinGen Glaucoma VCEP (v2.0, 16.07.2026): PVS1, PM2_Supporting